The following is an entry in ClinVar:

ClinVar aggregate classification (germline): Pathogenic. Review status: reviewed by expert panel (3 of 4 stars). 3 submissions from 3 submitters: Pathogenic (1). 2 of the submissions do not count toward it. Last evaluated 2016-10-18.

Conditions:
Breast-ovarian cancer, familial, susceptibility to, 2 (BROVCA2). Also called: BRCA2 Hereditary Breast and Ovarian Cancer. Identifiers: Orphanet 145, MedGen C2675520, MONDO:0012933, OMIM 612555. Disease mechanism: loss of function.
Hereditary breast ovarian cancer syndrome. Also called: BRCA1- and BRCA2-Associated Hereditary Breast and Ovarian Cancer; Hereditary breast and ovarian cancer; Breast and ovarian cancer; Hereditary breast and/or ovarian cancer syndrome; Hereditary breast and ovarian cancer syndrome; Hereditary breast and ovarian cancer syndrome (HBOC). Identifiers: Orphanet 145, MedGen C0677776, MeSH D061325, MONDO:0003582. Disease mechanism: loss of function.

Submissions (3):

Evidence-based Network for the Interpretation of Germline Mutant Alleles (ENIGMA)
Classification: Pathogenic for Breast-ovarian cancer, familial, susceptibility to, 2. Last evaluated: 2016-10-18. Review status: reviewed by expert panel. Criteria: ENIGMA BRCA1/2 Classification Criteria (2015). Collection method: curation. Allele origin: germline.
Comment: Variant allele predicted to encode a truncated non-functional protein.

Labcorp Genetics (formerly Invitae), Labcorp
Classification: Pathogenic for Hereditary breast ovarian cancer syndrome. Last evaluated: 2019-10-26. Review status: criteria provided, single submitter. Criteria: Invitae Variant Classification Sherloc (09022015). Collection method: clinical testing. Allele origin: germline. Not counted in ClinVar's aggregate classification.
Comment: For these reasons, this variant has been classified as Pathogenic. Loss-of-function variants in BRCA2 are known to be pathogenic (PMID: 20104584). This variant has been observed in an individual with high risk of breast and/or ovarian cancer (PMID: 29446198). ClinVar contains an entry for this variant (Variation ID: 267098). This variant is not present in population databases (ExAC no frequency). This sequence change creates a premature translational stop signal (p.Glu2856Argfs*7) in the BRCA2 gene. It is expected to result in an absent or disrupted protein product.

Consortium of Investigators of Modifiers of BRCA1/2 (CIMBA), c/o University of Cambridge
Classification: Pathogenic for Breast-ovarian cancer, familial, susceptibility to, 2. Last evaluated: 2015-10-02. Review status: criteria provided, single submitter. Criteria: CIMBA Mutation Classification guidelines May 2016. Collection method: clinical testing. Allele origin: germline. Not counted in ClinVar's aggregate classification.

Literature cited by the submitters: PubMed 20104584 (cited by Labcorp Genetics (formerly Invitae), Labcorp); PubMed 29446198 (cited by Labcorp Genetics (formerly Invitae), Labcorp).

NM_000059.4(BRCA2):c.8566del (p.Glu2856fs)

Gene: BRCA2 (BRCA2 DNA repair associated; plus strand). Cytogenetic location: 13q13.1.
Variant type: Deletion.
Coding change: c.8566del on transcript NM_000059.4 (MANE Select); coding-DNA position 8566, one base deleted (G; older notation c.8566delG).
Protein change: p.Glu2856fs; shifts the reading frame from glutamic acid 2856.
Molecular consequence: frameshift variant.
Genome position (GRCh38, 1-based): chr13:32,371,034, G deleted; the last of 2 consecutive G bases (chr13:32,371,033-32,371,034); deleting either gives the same sequence. VCF-style (leftmost placement, unchanged base first): chr13-32371032-TG-T. GRCh37 (hg19) VCF-style: chr13-32945169-TG-T.
Other names: 8793delG; short protein forms E2856fs.
Identifiers: ClinVar variation 267098 (VCV000267098.13), dbSNP rs886040783, ClinGen allele CA10589508.
Genomic context (GRCh38, chr13:32,371,032, plus strand): 5'-CATCTGGATTATACATATTTCGCAATGAAAGAGAGGAAGAAAAGGAAGCAGCAAAATATG[TG>T]GAGGCCCAACAAAAGAGACTAGAAGCCTTATTCACTAAAATTCAGGAGGAATTTGAAGAA-3'